The following is an entry in ClinVar:

ClinVar aggregate classification (germline): Uncertain significance (1 of 4 stars; one submission).

Conditions:
Monogenic diabetes. Identifiers: Orphanet 183625, MedGen C3888631, MONDO:0015967.

Submission:

Personalized Diabetes Medicine Program, University of Maryland School of Medicine
Classification: Uncertain significance for Monogenic diabetes. Last evaluated: 2015-12-04. Review status: criteria provided, single submitter. Criteria: ACMG Guidelines, 2015. Collection method: research. Allele origin: unknown. Observed: 1 variant allele, 1 heterozygote.
Comment: ACMG Criteria: PM2, PP3

NM_001366110.1(PAX4):c.128T>C (p.Ile43Thr)

Gene: PAX4 (paired box 4; minus strand). Cytogenetic location: 7q32.1.
Variant type: single nucleotide variant.
Coding change: c.128T>C on transcript NM_001366110.1 (MANE Select); coding-DNA position 128, T replaced by C.
Protein change: p.Ile43Thr; replaces isoleucine 43 with threonine.
Molecular consequence: missense variant.
Genome position (GRCh38, 1-based): chr7:127,615,417, A>G on the plus strand (T>C on the coding strand, the complement: PAX4 is on the minus strand). VCF-style: chr7-127615417-A-G. GRCh37 (hg19) VCF-style: chr7-127255471-A-G.
Other names: c.128T>C, p.Ile43Thr (NM_001366111.1); short protein forms I43T.
Identifiers: ClinVar variation 393409 (VCV000393409.1), dbSNP rs1057524894, ClinGen allele CA16609257.
Genomic context (GRCh38, chr7:127,615,417, plus strand): 5'-CTGCTTCCTGTCCCCATCACTGGGTAAAGGTGCTGGCCCATTACCTTAAGGATCCGTGAG[A>G]TGTCACAGGGCCGCATTCCACTGACTGCTAGCCGCACAATCTGCTGCCGGGTATCCAGAG-3'
Protein context (NP_001353039.1, residues 33-53): LAVSGMRPCD[Ile43Thr]SRILKVSNGC